The following is an entry in ClinVar:

NM_007294.4(BRCA1):c.2450G>A (p.Gly817Asp)

Gene: BRCA1 (BRCA1 DNA repair associated; minus strand). Cytogenetic location: 17q21.31.
Variant type: single nucleotide variant.
Coding change: c.2450G>A on transcript NM_007294.4 (MANE Select); coding-DNA position 2450, G replaced by A.
Protein change: p.Gly817Asp; replaces glycine 817 with aspartic acid.
Molecular consequence: missense variant. On other transcripts: intron variant (137).
Genome position (GRCh38, 1-based): chr17:43,093,081, C>T on the plus strand (G>A on the coding strand, the complement: BRCA1 is on the minus strand). VCF-style: chr17-43093081-C-T. GRCh37 (hg19) VCF-style: chr17-41245098-C-T.
Other names: c.2324G>A, p.Gly775Asp (NM_001407688.1, NM_001407691.1, NM_001407689.1 and 11 more transcripts); c.2309G>A, p.Gly770Asp (NM_001407692.1, NM_001407694.1, NM_001407695.1 and 29 more transcripts); c.784+1663G>A (NM_001407985.1, NM_001407991.1, NM_001408407.1 and 13 more transcripts); c.548-2049G>A (NM_001408494.1); c.664+1663G>A (NM_001408444.1, NM_001408438.1, NM_001408430.1 and 12 more transcripts); c.671-2049G>A (NM_001408423.1, NM_001408420.1, NM_001408419.1 and 2 more transcripts); c.787+1663G>A (NM_001408404.1, NM_001408472.1, NM_001407990.1 and 17 more transcripts); c.788-942G>A (NM_001407969.1, NM_001407968.1); and 41 more; short protein forms G521D, G649D, G689D, G690D, G705D, G706D, G728D, G729D.
Identifiers: ClinVar variation 3226116 (VCV003226116.3), dbSNP rs1060502365, ClinGen allele CA10597109.

ClinVar aggregate classification (germline): Uncertain significance. Review status: criteria provided, multiple submitters, no conflicts (2 of 4 stars). 2 submissions from 2 submitters: Uncertain significance (2). Last evaluated 2024-03-14.

Conditions:
Hereditary breast ovarian cancer syndrome. Also called: Hereditary breast and ovarian cancer syndrome (HBOC); Breast and ovarian cancer; Hereditary breast and/or ovarian cancer syndrome; BRCA1- and BRCA2-Associated Hereditary Breast and Ovarian Cancer; Hereditary breast and ovarian cancer syndrome; Hereditary breast and ovarian cancer. Identifiers: Orphanet 145, MedGen C0677776, MeSH D061325, MONDO:0003582. Disease mechanism: loss of function.
Hereditary cancer-predisposing syndrome. Also called: Neoplastic Syndromes, Hereditary; Tumor predisposition; Hereditary neoplastic syndrome; Hereditary Cancer Syndrome. Identifiers: Orphanet 140162, MedGen C0027672, MeSH D009386, MONDO:0015356.

Allele frequency attached by ClinVar (database versions not stated): gnomAD exomes below 0.00001.
gnomAD v4.1: 1 of 1,613,700 alleles (0.000062%); highest among the groups gnomAD compares: Non-Finnish European, 0.000085%; no homozygotes.

Submissions (2):

Labcorp Genetics (formerly Invitae), Labcorp
Classification: Uncertain significance for Hereditary breast ovarian cancer syndrome. Last evaluated: 2024-03-14. Review status: criteria provided, single submitter. Criteria: Invitae Variant Classification Sherloc (09022015). Collection method: clinical testing. Allele origin: germline.
Comment: This sequence change replaces glycine, which is neutral and non-polar, with aspartic acid, which is acidic and polar, at codon 817 of the BRCA1 protein (p.Gly817Asp). This variant is not present in population databases (gnomAD no frequency). This variant has not been reported in the literature in individuals affected with BRCA1-related conditions. Advanced modeling of protein sequence and biophysical properties (such as structural, functional, and spatial information, amino acid conservation, physicochemical variation, residue mobility, and thermodynamic stability) performed at Invitae indicates that this missense variant is not expected to disrupt BRCA1 protein function with a negative predictive value of 95%. In summary, the available evidence is currently insufficient to determine the role of this variant in disease. Therefore, it has been classified as a Variant of Uncertain Significance.

Ambry Genetics
Classification: Uncertain significance for Hereditary cancer-predisposing syndrome. Last evaluated: 2024-01-06. Review status: criteria provided, single submitter. Criteria: Ambry Variant Classification Scheme 2023. Collection method: clinical testing. Allele origin: germline.
Comment: The p.G817D variant (also known as c.2450G>A), located in coding exon 9 of the BRCA1 gene, results from a G to A substitution at nucleotide position 2450. The glycine at codon 817 is replaced by aspartic acid, an amino acid with similar properties. This amino acid position is conserved. In addition, this alteration is predicted to be tolerated by in silico analysis. Since supporting evidence is limited at this time, the clinical significance of this alteration remains unclear.